The following is an entry in ClinVar:

ClinVar aggregate classification (germline): Uncertain significance (1 of 4 stars; one submission).

Submission:

GeneDx
Classification: Uncertain significance. Last evaluated: 2022-07-11. Review status: criteria provided, single submitter. Criteria: GeneDx Variant Classification Process June 2021. Collection method: clinical testing. Allele origin: germline. Affected: yes.
Comment: Not observed at significant frequency in large population cohorts (gnomAD); In silico analysis supports that this missense variant has a deleterious effect on protein structure/function; Has not been previously published as pathogenic or benign to our knowledge

NM_002693.3(POLG):c.1274C>G (p.Ala425Gly)

Gene: POLG (DNA polymerase gamma, catalytic subunit; minus strand). Cytogenetic location: 15q26.1.
Variant type: single nucleotide variant.
Coding change: c.1274C>G on transcript NM_002693.3 (MANE Select); coding-DNA position 1274, C replaced by G.
Protein change: p.Ala425Gly; replaces alanine 425 with glycine.
Molecular consequence: missense variant.
Genome position (GRCh38, 1-based): chr15:89,327,326, G>C on the plus strand (C>G on the coding strand, the complement: POLG is on the minus strand). VCF-style: chr15-89327326-G-C. GRCh37 (hg19) VCF-style: chr15-89870557-G-C.
Other names: c.1274C>G, p.Ala425Gly (NM_001126131.2); short protein forms A425G.
Identifiers: ClinVar variation 1878752 (VCV001878752.1), dbSNP rs200399546, ClinGen allele CA393762779.
Genomic context (GRCh38, chr15:89,327,326, plus strand): 5'-AGGTAACGCTCCCAGTTCTGGTTGACAGGCAGGTAGGAGACACCCATCTCCAGCATGCCG[G>C]CCAGAGTCACTGGGTGGGGACACCTTGGAGGCAAACACCAGGAGCTGCCATAAATGACCA-3'
Protein context (NP_002684.1, residues 415-435): LERCPHPVTL[Ala425Gly]GMLEMGVSYL